The following is an entry in ClinVar:

ClinVar aggregate classification (germline): Uncertain significance (1 of 4 stars; one submission).

gnomAD v4.1: 1 of 1,614,172 alleles (0.000062%); highest among the groups gnomAD compares: Admixed American, 0.0017%; no homozygotes.

Submission:

GeneDx
Classification: Uncertain significance. Last evaluated: 2024-02-20. Review status: criteria provided, single submitter. Criteria: GeneDx Variant Classification Process June 2021. Collection method: clinical testing. Allele origin: germline. Affected: yes.
Comment: Not observed at significant frequency in large population cohorts (gnomAD); In silico analysis supports that this missense variant has a deleterious effect on protein structure/function; Has not been previously published as pathogenic or benign to our knowledge

NM_003664.5(AP3B1):c.3223G>A (p.Glu1075Lys)

Gene: AP3B1 (adaptor related protein complex 3 subunit beta 1; minus strand). Cytogenetic location: 5q14.1.
Variant type: single nucleotide variant.
Coding change: c.3223G>A on transcript NM_003664.5 (MANE Select); coding-DNA position 3223, G replaced by A.
Protein change: p.Glu1075Lys; replaces glutamic acid 1075 with lysine.
Molecular consequence: missense variant.
Genome position (GRCh38, 1-based): chr5:78,002,964, C>T on the plus strand (G>A on the coding strand, the complement: AP3B1 is on the minus strand). VCF-style: chr5-78002964-C-T. GRCh37 (hg19) VCF-style: chr5-77298788-C-T.
Other names: c.3076G>A, p.Glu1026Lys (NM_001271769.2); short protein forms E1026K, E1075K.
Identifiers: ClinVar variation 3369496 (VCV003369496.1).